The following is an entry in ClinVar:

NM_004444.5(EPHB4):c.778G>A (p.Glu260Lys)

Gene: EPHB4 (EPH receptor B4; minus strand). Cytogenetic location: 7q22.1.
Variant type: single nucleotide variant.
Coding change: c.778G>A on transcript NM_004444.5 (MANE Select); coding-DNA position 778, G replaced by A.
Protein change: p.Glu260Lys; replaces glutamic acid 260 with lysine.
Molecular consequence: missense variant.
Genome position (GRCh38, 1-based): chr7:100,822,301, C>T on the plus strand (G>A on the coding strand, the complement: EPHB4 is on the minus strand). VCF-style: chr7-100822301-C-T. GRCh37 (hg19) VCF-style: chr7-100419923-C-T.
Other names: short protein forms E260K.
Identifiers: ClinVar variation 2497597 (VCV002497597.4), dbSNP rs776466072, ClinGen allele CA4393213.
Genomic context (GRCh38, chr7:100,822,301, plus strand): 5'-AGCAGTCGCAGGGGAAGCTCCAGCTCTCACCTCGGCACTTGGTGTTCCCCTCAGCTGCCT[C>T]GAACCCCGGAGCACAGCTGCAGCCCGTGACCGGCTGTTCGGCCCACTGGCCATCCTCACG-3'
Protein context (NP_004435.3, residues 250-270): VTGCSCAPGF[Glu260Lys]AAEGNTKCRA

ClinVar aggregate classification (germline): Uncertain significance. Review status: criteria provided, multiple submitters, no conflicts (2 of 4 stars). 2 submissions from 2 submitters: Uncertain significance (2). Last evaluated 2025-08-11.

Conditions:
Cardiovascular phenotype. Identifiers: MedGen CN230736.

Allele frequency attached by ClinVar (database versions not stated): gnomAD exomes below 0.00001; TOPMed 0.00001; gnomAD 0.00002.
gnomAD v4.1: 5 of 1,565,232 alleles (0.00032%); highest among the groups gnomAD compares: African/African-American, 0.0014%; no homozygotes.

Submissions (2):

Labcorp Genetics (formerly Invitae), Labcorp
Classification: Uncertain significance. Last evaluated: 2025-08-11. Review status: criteria provided, single submitter. Criteria: Invitae Variant Classification Sherloc (09022015). Collection method: clinical testing. Allele origin: germline.
Comment: This sequence change replaces glutamic acid, which is acidic and polar, with lysine, which is basic and polar, at codon 260 of the EPHB4 protein (p.Glu260Lys). The frequency data for this variant in the population databases is considered unreliable, as metrics indicate poor data quality at this position in the gnomAD database. This variant has not been reported in the literature in individuals affected with EPHB4-related conditions. ClinVar contains an entry for this variant (Variation ID: 2497597). Invitae Evidence Modeling of protein sequence and biophysical properties (such as structural, functional, and spatial information, amino acid conservation, physicochemical variation, residue mobility, and thermodynamic stability) has been performed for this missense variant. However, the output from this modeling did not meet the statistical confidence thresholds required to predict the impact of this variant on EPHB4 protein function. In summary, the available evidence is currently insufficient to determine the role of this variant in disease. Therefore, it has been classified as a Variant of Uncertain Significance.

Ambry Genetics
Classification: Uncertain significance for Cardiovascular phenotype. Last evaluated: 2022-12-25. Review status: criteria provided, single submitter. Criteria: Ambry Variant Classification Scheme 2023. Collection method: clinical testing. Allele origin: germline.
Comment: The p.E260K variant (also known as c.778G>A), located in coding exon 4 of the EPHB4 gene, results from a G to A substitution at nucleotide position 778. The glutamic acid at codon 260 is replaced by lysine, an amino acid with similar properties. This amino acid position is conserved. In addition, this alteration is predicted to be deleterious by in silico analysis. Since supporting evidence is limited at this time, the clinical significance of this alteration remains unclear.